The following is an entry in ClinVar:

ClinVar aggregate classification (germline): Uncertain significance (1 of 4 stars; one submission).

Conditions:
Short-rib thoracic dysplasia 8 with or without polydactyly (SRTD8). Also called: SHORT-RIB THORACIC DYSPLASIA 8 WITH POLYDACTYLY. Identifiers: Orphanet 93271, MedGen C3809691, MONDO:0014214, OMIM 615503.

gnomAD v4.1: 30 of 1,614,060 alleles (0.0019%); highest among the groups gnomAD compares: Middle Eastern, 0.066%; 1 homozygote.

Submission:

Labcorp Genetics (formerly Invitae), Labcorp
Classification: Uncertain significance for Short-rib thoracic dysplasia 8 with or without polydactyly. Last evaluated: 2025-05-06. Review status: criteria provided, single submitter. Criteria: Invitae Variant Classification Sherloc (09022015). Collection method: clinical testing. Allele origin: germline.
Comment: This sequence change replaces glycine, which is neutral and non-polar, with glutamic acid, which is acidic and polar, at codon 348 of the WDR60 protein (p.Gly348Glu). The frequency data for this variant in the population databases is considered unreliable, as metrics indicate poor data quality at this position in the gnomAD database. This variant has not been reported in the literature in individuals affected with WDR60-related conditions. An algorithm developed to predict the effect of missense changes on protein structure and function outputs the following: PolyPhen-2: "Benign". The glutamic acid amino acid residue is found in multiple mammalian species, which suggests that this missense change does not adversely affect protein function. In summary, the available evidence is currently insufficient to determine the role of this variant in disease. Therefore, it has been classified as a Variant of Uncertain Significance.

NM_018051.5(DYNC2I1):c.1043G>A (p.Gly348Glu)

Gene: DYNC2I1 (dynein 2 intermediate chain 1; plus strand). Cytogenetic location: 7q36.3.
Variant type: single nucleotide variant.
Coding change: c.1043G>A on transcript NM_018051.5 (MANE Select); coding-DNA position 1043, G replaced by A.
Protein change: p.Gly348Glu; replaces glycine 348 with glutamic acid.
Molecular consequence: missense variant. On other transcripts: 5 prime UTR variant (3).
Genome position (GRCh38, 1-based): chr7:158,891,317, G>A. VCF-style: chr7-158891317-G-A. GRCh37 (hg19) VCF-style: chr7-158684008-G-A.
Other names: c.905G>A, p.Gly302Glu (NM_001350914.2); c.470G>A, p.Gly157Glu (NM_001350915.2); c.-316G>A (NM_001350916.2); c.-324G>A (NM_001350917.2); c.-443G>A (NM_001350918.2); short protein forms G348E, G157E, G302E.
Identifiers: ClinVar variation 4716577 (VCV004716577.1).